The following is an entry in ClinVar:

ClinVar aggregate classification (germline): Likely benign. Review status: criteria provided, multiple submitters, no conflicts (2 of 4 stars). 2 submissions from 2 submitters: Likely benign (2). Last evaluated 2026-02-18.

Conditions:
Familial episodic pain syndrome with predominantly lower limb involvement. Also called: Episodic pain syndrome, familial, 3. Identifiers: Orphanet 391384, Orphanet 391392, MedGen C3809899, MONDO:0014247, OMIM 615552.
Hereditary sensory and autonomic neuropathy type 7. Also called: HSAN VII; Neuropathy, hereditary sensory and autonomic, type VII. Identifiers: Orphanet 391397, MedGen C3809882, MONDO:0014244, OMIM 615548.
SCN11A-related disorder. Also called: SCN11A-related condition.

Allele frequency attached by ClinVar (database versions not stated): gnomAD exomes 0.00002; ExAC 0.00003; TOPMed 0.00009; gnomAD 0.00011 and 0.00013; ESP Exome Variant Server 0.00015; 1000 Genomes Project 30x 0.00016; 1000 Genomes Project 0.00020.
gnomAD v4.1: 39 of 1,607,044 alleles (0.0024%); highest among the groups gnomAD compares: African/African-American, 0.05%; no homozygotes.

Submissions (2):

PreventionGenetics, part of Exact Sciences
Classification: Likely benign for SCN11A-related condition. Last evaluated: 2026-02-18. Review status: criteria provided, single submitter. Criteria: ACMG Guidelines, 2015. Collection method: clinical testing. Allele origin: germline.
Comment: This variant is classified as likely benign based on ACMG/AMP sequence variant interpretation guidelines (Richards et al. 2015 PMID: 25741868, with internal and published modifications).

Labcorp Genetics (formerly Invitae), Labcorp
Classification: Likely benign for Familial episodic pain syndrome with predominantly lower limb involvement; Hereditary sensory and autonomic neuropathy type 7. Last evaluated: 2024-08-05. Review status: criteria provided, single submitter. Criteria: Invitae Variant Classification Sherloc (09022015). Collection method: clinical testing. Allele origin: germline.

NM_001349253.2(SCN11A):c.1300-9A>C

Gene: SCN11A (sodium voltage-gated channel alpha subunit 11; minus strand). Cytogenetic location: 3p22.2.
Variant type: single nucleotide variant.
Coding change: c.1300-9A>C on transcript NM_001349253.2 (MANE Select); 9 bases into the intron before coding-DNA position 1300, A replaced by C.
Molecular consequence: intron variant.
Genome position (GRCh38, 1-based): chr3:38,908,131, T>G on the plus strand (A>C on the coding strand, the complement: SCN11A is on the minus strand). VCF-style: chr3-38908131-T-G. GRCh37 (hg19) VCF-style: chr3-38949622-T-G.
Other names: c.1300-9A>C (NM_014139.3).
Identifiers: ClinVar variation 722577 (VCV000722577.11), dbSNP rs375928527, ClinGen allele CA2322340.
Genomic context (GRCh38, chr3:38,908,131, plus strand): 5'-ATGTTTCAAGGGAAGTAAGTGAACTTCTGTCAATTCCCATGGCAACCAGAGCCTTCAAAT[T>G]GAACAAAAGCAATTAAAGAACAGATTACACCTCCTCATGAAACATTGCAAATGACCCCGA-3'